The following is an entry in ClinVar:

NM_194248.3(OTOF):c.3363C>T (p.Pro1121=)

Gene: OTOF (otoferlin; minus strand). Cytogenetic location: 2p23.3.
Variant type: single nucleotide variant.
Coding change: c.3363C>T on transcript NM_194248.3 (MANE Select); coding-DNA position 3363, C replaced by T.
Protein change: p.Pro1121=; no amino-acid change (proline 1121 retained).
Molecular consequence: synonymous variant.
Genome position (GRCh38, 1-based): chr2:26,474,036, G>A on the plus strand (C>T on the coding strand, the complement: OTOF is on the minus strand). VCF-style: chr2-26474036-G-A. GRCh37 (hg19) VCF-style: chr2-26696904-G-A.
Other names: c.3363C>T, p.Pro1121= (NM_001287489.2); c.1122C>T, p.Pro374= (NM_004802.4, NM_194323.3); c.1293C>T, p.Pro431= (NM_194322.3).
Identifiers: ClinVar variation 505555 (VCV000505555.8), dbSNP rs745957247, ClinGen allele CA1563576.

ClinVar aggregate classification (germline): Likely benign. Review status: criteria provided, multiple submitters, no conflicts (2 of 4 stars). 2 submissions from 2 submitters: Likely benign (2). Last evaluated 2023-10-13.

Allele frequency attached by ClinVar (database versions not stated): TOPMed 0.00002.
gnomAD v4.1: 31 of 1,612,862 alleles (0.0019%); highest among the groups gnomAD compares: Non-Finnish European, 0.0026%; no homozygotes.

Submissions (2):

Labcorp Genetics (formerly Invitae), Labcorp
Classification: Likely benign. Last evaluated: 2023-10-13. Review status: criteria provided, single submitter. Criteria: Invitae Variant Classification Sherloc (09022015). Collection method: clinical testing. Allele origin: germline.

Laboratory for Molecular Medicine, Mass General Brigham Personalized Medicine
Classification: Likely benign. Last evaluated: 2017-01-13. Review status: criteria provided, single submitter. Criteria: LMM Criteria. Collection method: clinical testing. Allele origin: germline. Observed: 1 variant allele.
Comment: p.Pro1121Pro in exon 27 of OTOF: This variant is not expected to have clinical s ignificance because it does not alter an amino acid residue, and is not located within the splice consensus sequence. It has been identified in 2/65590 Europea n chromosomes by the Exome Aggregation Consortium (ExAC; dbSNP rs745957247).